The following is an entry in ClinVar:

NM_001006658.3(CR2):c.1009_1011dup (p.Gly337_Pro338insGly)

Genes: CR2 (complement C3d receptor 2; plus strand), LOC126805994 (BRD4-independent group 4 enhancer GRCh37_chr1:207642622-207643821; plus strand). Cytogenetic location: 1q32.2.
Variant type: Duplication.
Coding change: c.1009_1011dup on transcript NM_001006658.3 (MANE Select); coding-DNA positions 1009 to 1011, 3 bases duplicated (GGC; older notation c.1009_1011dupGGC).
Protein change: p.Gly337_Pro338insGly.
Molecular consequence: inframe insertion.
Genome position (GRCh38, 1-based): chr1:207,469,886-207,469,888, GGC duplicated. VCF-style (leftmost placement, unchanged base first): chr1-207469885-T-TGGC. GRCh37 (hg19) VCF-style: chr1-207643230-T-TGGC.
Other names: c.1009_1011dup, p.Gly337_Pro338insGly (NM_001877.5).
Identifiers: ClinVar variation 2057668 (VCV002057668.4), dbSNP rs2527215064, ClinGen allele CA2580061962.

ClinVar aggregate classification (germline): Uncertain significance (1 of 4 stars; one submission).

Conditions:
Immunodeficiency, common variable, 7. Identifiers: Orphanet 1572, Orphanet 696894, MedGen C3542922, MONDO:0013862, OMIM 614699.

Submission:

Labcorp Genetics (formerly Invitae), Labcorp
Classification: Uncertain significance for Immunodeficiency, common variable, 7. Last evaluated: 2022-12-06. Review status: criteria provided, single submitter. Criteria: Invitae Variant Classification Sherloc (09022015). Collection method: clinical testing. Allele origin: germline.
Comment: This variant is not present in population databases (gnomAD no frequency). This variant has not been reported in the literature in individuals affected with CR2-related conditions. Experimental studies and prediction algorithms are not available or were not evaluated, and the functional significance of this variant is currently unknown. In summary, the available evidence is currently insufficient to determine the role of this variant in disease. Therefore, it has been classified as a Variant of Uncertain Significance. This variant, c.1009_1011dup, results in the insertion of 1 amino acid(s) of the CR2 protein (p.Gly337dup), but otherwise preserves the integrity of the reading frame.